The following is an entry in ClinVar:

NM_033305.3(VPS13A):c.474_477dup (p.Ile160fs)

Gene: VPS13A (vacuolar protein sorting 13 homolog A; plus strand). Cytogenetic location: 9q21.2.
Variant type: Duplication.
Coding change: c.474_477dup on transcript NM_033305.3 (MANE Select); coding-DNA positions 474 to 477, 4 bases duplicated (CCAT; older notation c.474_477dupCCAT).
Protein change: p.Ile160fs; shifts the reading frame from isoleucine 160.
Molecular consequence: frameshift variant.
Genome position (GRCh38, 1-based): chr9:77,209,511-77,209,514, CCAT duplicated; duplicating any 4 consecutive bases within chr9:77,209,509-77,209,514 gives the same sequence; the c. name uses the placement nearest the transcript's 3' end. VCF-style (leftmost placement, unchanged base first): chr9-77209508-T-TATCC. GRCh37 (hg19) VCF-style: chr9-79824424-T-TATCC.
Other names: c.474_477dup, p.Ile160fs (NM_001018037.2, NM_001018038.3, NM_015186.4); short protein forms I160fs.
Identifiers: ClinVar variation 4063083 (VCV004063083.3).
Genomic context (GRCh38, chr9:77,209,508, plus strand): 5'-CACTTTTGCAGAAAAATTAGTTACACAGATCATAAAAAATCTTCAGGTGAAAATTTCCAG[T>TATCC]ATCCATATTCGTTATGAAGATGATGTAAGTATTTTAATATGTGATATTTGTTTTTATATT-3'

ClinVar aggregate classification (germline): Pathogenic/Likely pathogenic. Review status: criteria provided, multiple submitters, no conflicts (2 of 4 stars). 2 submissions from 2 submitters: Pathogenic (1); Likely pathogenic (1). Last evaluated 2026-05-10.

Conditions:
VPS13A-related neurodegenerative disease. Also called: LEVINE-CRITCHLEY SYNDROME; Choreoacanthocytosis; Chorea-acanthocytosis; VPS13A Disease; Choreaacanthocytosis; ACANTHOCYTOSIS WITH NEUROLOGIC DISORDER. Identifiers: Orphanet 2388, MedGen C0393576, MONDO:0008695, OMIM 200150.

Submissions (2):

Myriad Genetics, Inc.
Classification: Pathogenic for VPS13A-related neurodegenerative disease. Last evaluated: 2026-05-10. Review status: criteria provided, single submitter. Criteria: Myriad Autosomal Dominant, Autosomal Recessive and X-Linked Classification Criteria (2023). Collection method: clinical testing. Allele origin: unknown.
Comment: NM_033305.2(VPS13A):c.474_477dupCCAT(I160Pfs*5) is expected to be pathogenic in the context of VPS13A disease. This variant is predicted to lead to an abnormal or absent protein product due to the creation of a premature termination codon in VPS13A, a gene where loss-of-function variants are known to be pathogenic. Please note: this variant was assessed in the context of healthy population screening.

Natera, Inc.
Classification: Likely pathogenic for Choreaacanthocytosis. Last evaluated: 2025-01-03. Review status: criteria provided, single submitter. Criteria: Natera Variant Classification Schema (03/2026). Collection method: clinical testing. Allele origin: germline.
Comment: The c.474_477dup variant in VPS13A is a frameshift variant predicted to shift the reading frame beginning at codon 160 and leads to a stop codon 5 codons downstream. This variant is expected to result in nonsense mediated decay, truncation, or a dysfunctional protein product. This variant is rare in the general population with a frequency below the threshold expected for the associated phenotype(s). Given the available evidence, this variant is classified as Likely Pathogenic.